The following is an entry in ClinVar:

NM_177438.3(DICER1):c.307+2T>C

Gene: DICER1 (dicer 1, ribonuclease III; minus strand). Cytogenetic location: 14q32.13.
Variant type: single nucleotide variant.
Coding change: c.307+2T>C on transcript NM_177438.3 (MANE Select); the canonical splice donor site of the intron after coding-DNA position 307, T replaced by C.
Molecular consequence: splice donor variant.
Genome position (GRCh38, 1-based): chr14:95,132,513, A>G on the plus strand (T>C on the coding strand, the complement: DICER1 is on the minus strand). VCF-style: chr14-95132513-A-G. GRCh37 (hg19) VCF-style: chr14-95598850-A-G.
Other names: c.307+2T>C (NM_001291628.2, NM_030621.4, NM_001395677.1 and 14 more transcripts); c.33+2T>C (NM_001395690.1, NM_001395687.1, NM_001395689.1 and 4 more transcripts); c.-152+2T>C (NM_001395691.1); c.-1262+2T>C (NM_001395697.1).
Identifiers: ClinVar variation 2014542 (VCV002014542.4), dbSNP rs2543366006, ClinGen allele CA390889582.

ClinVar aggregate classification (germline): Uncertain significance (1 of 4 stars; one submission).

Conditions:
DICER1-related tumor predisposition. Also called: DICER1 syndrome; DICER1-related pleuropulmonary blastoma cancer predisposition syndrome. Identifiers: Orphanet 284343, MedGen C3839822, MONDO:0100216.

Submission:

Labcorp Genetics (formerly Invitae), Labcorp
Classification: Uncertain significance for DICER1-related tumor predisposition. Last evaluated: 2025-01-08. Review status: criteria provided, single submitter. Criteria: Invitae Variant Classification Sherloc (09022015). Collection method: clinical testing. Allele origin: germline.
Comment: This sequence change affects a donor splice site in intron 3 of the DICER1 gene. It is expected to disrupt RNA splicing. Variants that disrupt the donor or acceptor splice site typically lead to a loss of protein function (PMID: 16199547), and loss-of-function variants in DICER1 are known to be pathogenic (PMID: 19556464, 21266384). This variant is not present in population databases (gnomAD no frequency). This variant has not been reported in the literature in individuals affected with DICER1-related conditions. ClinVar contains an entry for this variant (Variation ID: 2014542). Studies have shown that disruption of this splice site is associated with inconclusive levels of altered splicing (internal data). In summary, the available evidence is currently insufficient to determine the role of this variant in disease. Therefore, it has been classified as a Variant of Uncertain Significance.

Literature cited by the submitters: PubMed 16199547; PubMed 19556464; PubMed 21266384.